The following is an entry in ClinVar:

ClinVar aggregate classification (germline): Pathogenic/Likely pathogenic. Review status: criteria provided, multiple submitters, no conflicts (2 of 4 stars). 3 submissions from 3 submitters: Pathogenic (1); Likely pathogenic (1). 1 of the submissions does not count toward it. Last evaluated 2025-10-07.

Conditions:
Biotinidase deficiency. Also called: BTD deficiency; Late-onset biotin-responsive multiple carboxylase deficiency; Biotin deficiency. Identifiers: Orphanet 79241, MedGen C0220754, MONDO:0009665, OMIM 253260.

Allele frequency attached by ClinVar (database versions not stated): gnomAD exomes below 0.00001; ExAC 0.00001.

Submissions (3):

Labcorp Genetics (formerly Invitae), Labcorp
Classification: Pathogenic for Biotinidase deficiency. Last evaluated: 2025-10-07. Review status: criteria provided, single submitter. Criteria: Invitae Variant Classification Sherloc (09022015). Collection method: clinical testing. Allele origin: germline.
Comment: This sequence change creates a premature translational stop signal (p.His331Leufs*29) in the BTD gene. While this is not anticipated to result in nonsense mediated decay, it is expected to disrupt the last 213 amino acid(s) of the BTD protein. This variant is present in population databases (rs773137513, gnomAD 0.0009%). This variant has not been reported in the literature in individuals affected with BTD-related conditions. ClinVar contains an entry for this variant (Variation ID: 551149). This variant disrupts a region of the BTD protein in which other variant(s) (p.Leu498Phefs*13) have been determined to be pathogenic (PMID: 17382128, 19728141, 29359854). This suggests that this is a clinically significant region of the protein, and that variants that disrupt it are likely to be disease-causing. For these reasons, this variant has been classified as Pathogenic.

Baylor Genetics
Classification: Likely pathogenic for Biotinidase deficiency. Last evaluated: 2023-08-12. Review status: criteria provided, single submitter. Criteria: ACMG Guidelines, 2015. Collection method: clinical testing. Allele origin: unknown.

Counsyl
Classification: Likely pathogenic for Biotinidase deficiency. Last evaluated: 2017-03-17. Review status: no assertion criteria provided. Collection method: clinical testing. Allele origin: unknown. Not counted in ClinVar's aggregate classification.

Literature cited by the submitters: PubMed 17382128 (cited by Labcorp Genetics (formerly Invitae), Labcorp); PubMed 19728141 (cited by Labcorp Genetics (formerly Invitae), Labcorp); PubMed 29359854 (cited by Labcorp Genetics (formerly Invitae), Labcorp).

NM_001370658.1(BTD):c.932_941del (p.His311fs)

Gene: BTD (biotinidase; plus strand). Cytogenetic location: 3p25.1.
Variant type: Deletion.
Coding change: c.932_941del on transcript NM_001370658.1 (MANE Select); coding-DNA positions 932 to 941, 10 bases deleted (ACCTTATAAT; older notation c.932_941delACCTTATAAT).
Protein change: p.His311fs; shifts the reading frame from histidine 311.
Molecular consequence: frameshift variant. On other transcripts: intron variant (6).
Genome position (GRCh38, 1-based): chr3:15,644,848-15,644,857, ACCTTATAAT deleted. VCF-style (leftmost placement, unchanged base first): chr3-15644847-CACCTTATAAT-C. GRCh37 (hg19) VCF-style: chr3-15686354-CACCTTATAAT-C.
Other names: c.932_941del, p.His311fs (NM_001281723.4, NM_001281724.3, NM_001281725.3 and 18 more transcripts); c.399+2791_399+2800del (NM_001370753.1, NM_001407400.1, NM_001407380.1 and 3 more transcripts); c.992_1001del (NM_000060.4); short protein forms H311fs.
Identifiers: ClinVar variation 551149 (VCV000551149.10), dbSNP rs773137513, ClinGen allele CA2277404.
Genomic context (GRCh38, chr3:15,644,847, plus strand): 5'-AGTGGCATACACACCCCTCTGGAGTCCTTTTGGTACCATGACATGGAAAATCCCAAAAGT[CACCTTATAAT>C]TGCCCAGGTGGCCAAAAATCCAGTGGGTCTCATTGGTGCAGAGAATGCAACAGGTGAAAC-3'